The following is an entry in ClinVar:

ClinVar aggregate classification (germline): Uncertain significance. Review status: criteria provided, multiple submitters, no conflicts (2 of 4 stars). 4 submissions from 4 submitters: Uncertain significance (4). Last evaluated 2024-12-10.

Conditions:
Cardiovascular phenotype. Identifiers: MedGen CN230736.
Hereditary cancer-predisposing syndrome. Also called: Hereditary Cancer Syndrome; Hereditary neoplastic syndrome; Tumor predisposition; Neoplastic Syndromes, Hereditary. Identifiers: Orphanet 140162, MedGen C0027672, MeSH D009386, MONDO:0015356.
Juvenile myelomonocytic leukemia (JMML). Also called: LEUKEMIA, JUVENILE MYELOMONOCYTIC, SOMATIC. Identifiers: Orphanet 86834, MedGen C0349639, MONDO:0011908, OMIM 607785, HP:0012209.
Neurofibromatosis, type 1 (NF1). Also called: VON RECKLINGHAUSEN DISEASE; NEUROFIBROMATOSIS, TYPE I, SOMATIC; Peripheral type neurofibromatosis; Neurofibromatosis, type I. Identifiers: Orphanet 636, MedGen C0027831, MONDO:0018975, OMIM 162200. Disease mechanism: loss of function.

Allele frequency attached by ClinVar (database versions not stated): gnomAD exomes below 0.00001; TOPMed below 0.00001; gnomAD 0.00001.
gnomAD v4.1: 4 of 1,613,722 alleles (0.00025%); highest among the groups gnomAD compares: South Asian, 0.0011%; no homozygotes.

Submissions (4):

Labcorp Genetics (formerly Invitae), Labcorp
Classification: Uncertain significance for Neurofibromatosis, type 1. Last evaluated: 2024-12-10. Review status: criteria provided, single submitter. Criteria: Invitae Variant Classification Sherloc (09022015). Collection method: clinical testing. Allele origin: germline.
Comment: This sequence change replaces arginine, which is basic and polar, with glutamine, which is neutral and polar, at codon 897 of the NF1 protein (p.Arg897Gln). This variant is present in population databases (no rsID available, gnomAD 0.003%). This missense change has been observed in individual(s) with soft tissue neurofibromas (PMID: 19076627). ClinVar contains an entry for this variant (Variation ID: 457596). Invitae Evidence Modeling of protein sequence and biophysical properties (such as structural, functional, and spatial information, amino acid conservation, physicochemical variation, residue mobility, and thermodynamic stability) has been performed for this missense variant. However, the output from this modeling did not meet the statistical confidence thresholds required to predict the impact of this variant on NF1 protein function. In summary, the available evidence is currently insufficient to determine the role of this variant in disease. Therefore, it has been classified as a Variant of Uncertain Significance.

Ambry Genetics
Classification: Uncertain significance for Cardiovascular phenotype; Hereditary cancer-predisposing syndrome. Last evaluated: 2024-09-25. Review status: criteria provided, single submitter. Criteria: Ambry Variant Classification Scheme 2023. Collection method: clinical testing. Allele origin: germline.
Comment: The p.R897Q variant (also known as c.2690G>A), located in coding exon 21 of the NF1 gene, results from a G to A substitution at nucleotide position 2690. The arginine at codon 897 is replaced by glutamine, an amino acid with highly similar properties. This amino acid position is highly conserved in available vertebrate species. In addition, this alteration is predicted to be deleterious by in silico analysis. Since supporting evidence is limited at this time, the clinical significance of this alteration remains unclear.

Genomic Medicine Center of Excellence, King Faisal Specialist Hospital and Research Centre
Classification: Uncertain significance for Neurofibromatosis, type 1. Last evaluated: 2024-04-04. Review status: criteria provided, single submitter. Criteria: ACMG Guidelines, 2015. Collection method: clinical testing. Allele origin: germline.

Baylor Genetics
Classification: Uncertain significance for Juvenile myelomonocytic leukemia. Last evaluated: 2024-01-05. Review status: criteria provided, single submitter. Criteria: ACMG Guidelines, 2015. Collection method: clinical testing. Allele origin: unknown.

Literature cited by the submitters: PubMed 19076627 (cited by Labcorp Genetics (formerly Invitae), Labcorp).

NM_001042492.3(NF1):c.2690G>A (p.Arg897Gln)

Gene: NF1 (neurofibromin 1; plus strand). Cytogenetic location: 17q11.2.
Variant type: single nucleotide variant.
Coding change: c.2690G>A on transcript NM_001042492.3 (MANE Select); coding-DNA position 2690, G replaced by A.
Protein change: p.Arg897Gln; replaces arginine 897 with glutamine.
Molecular consequence: missense variant.
Genome position (GRCh38, 1-based): chr17:31,229,305, G>A. VCF-style: chr17-31229305-G-A. GRCh37 (hg19) VCF-style: chr17-29556323-G-A.
Other names: c.2690G>A, p.Arg897Gln (NM_000267.4); short protein forms R897Q.
Identifiers: ClinVar variation 457596 (VCV000457596.14), dbSNP rs863224658, ClinGen allele CA398984977.